The following is an entry in ClinVar:

NM_012186.3(FOXE3):c.604C>T (p.Pro202Ser)

Genes: FOXE3 (forkhead box E3; plus strand), LINC01389 (long independently transcribed non-coding RNA 1389; minus strand). Cytogenetic location: 1p33.
Variant type: single nucleotide variant.
Coding change: c.604C>T on transcript NM_012186.3 (MANE Select); coding-DNA position 604, C replaced by T.
Protein change: p.Pro202Ser; replaces proline 202 with serine.
Molecular consequence: missense variant.
Genome position (GRCh38, 1-based): chr1:47,416,919, C>T. VCF-style: chr1-47416919-C-T. GRCh37 (hg19) VCF-style: chr1-47882591-C-T.
Other names: short protein forms P202S.
Identifiers: ClinVar variation 1439953 (VCV001439953.10), dbSNP rs1213749118, ClinGen allele CA340250328.

ClinVar aggregate classification (germline): Uncertain significance. Review status: criteria provided, multiple submitters, no conflicts (2 of 4 stars). 2 submissions from 2 submitters: Uncertain significance (2). Last evaluated 2026-01-28.

Conditions:
Anterior segment dysgenesis. Also called: Ocular anterior segment dysgenesis. Identifiers: Orphanet 88632, MedGen C1862839, MONDO:0019503, HP:0007700.
Congenital primary aphakia. Also called: ANTERIOR SEGMENT DYSGENESIS 2; Anterior segment dysgenesis 2, multiple subtypes. Identifiers: Orphanet 83461, MedGen C1853230, MONDO:0012456, OMIM 610256.
Cardiovascular phenotype. Identifiers: MedGen CN230736.

Allele frequency attached by ClinVar (database versions not stated): gnomAD exomes 0.00001; TOPMed 0.00004; gnomAD 0.00008; 1000 Genomes Project 30x 0.00016.

Submissions (2):

Labcorp Genetics (formerly Invitae), Labcorp
Classification: Uncertain significance for Anterior segment dysgenesis; Congenital primary aphakia. Last evaluated: 2026-01-28. Review status: criteria provided, single submitter. Criteria: Invitae Variant Classification Sherloc (09022015). Collection method: clinical testing. Allele origin: germline.
Comment: This sequence change replaces proline, which is neutral and non-polar, with serine, which is neutral and polar, at codon 202 of the FOXE3 protein (p.Pro202Ser). This variant is present in population databases (no rsID available, gnomAD 0.007%). This variant has not been reported in the literature in individuals affected with FOXE3-related conditions. ClinVar contains an entry for this variant (Variation ID: 1439953). Invitae Evidence Modeling of protein sequence and biophysical properties (such as structural, functional, and spatial information, amino acid conservation, physicochemical variation, residue mobility, and thermodynamic stability) indicates that this missense variant is not expected to disrupt FOXE3 protein function with a negative predictive value of 80%. In summary, the available evidence is currently insufficient to determine the role of this variant in disease. Therefore, it has been classified as a Variant of Uncertain Significance.

Ambry Genetics
Classification: Uncertain significance for Cardiovascular phenotype. Last evaluated: 2025-05-27. Review status: criteria provided, single submitter. Criteria: Ambry Variant Classification Scheme 2023. Collection method: clinical testing. Allele origin: germline.
Comment: The p.P202S variant (also known as c.604C>T), located in coding exon 1 of the FOXE3 gene, results from a C to T substitution at nucleotide position 604. The proline at codon 202 is replaced by serine, an amino acid with similar properties. This amino acid position is poorly conserved in available vertebrate species. In addition, this alteration is predicted to be tolerated by in silico analysis. Since supporting evidence is limited at this time, the clinical significance of this alteration remains unclear.